The following is an entry in ClinVar:

NM_015506.3(MMACHC):c.*2085C>T

Genes: MMACHC (metabolism of cobalamin associated C; plus strand), PRDX1 (peroxiredoxin 1; minus strand). Cytogenetic location: 1p34.1.
Variant type: single nucleotide variant.
Coding change: c.*2085C>T on transcript NM_015506.3 (MANE Select); 2085 bases downstream of the stop codon, C replaced by T.
Molecular consequence: 3 prime UTR variant.
Genome position (GRCh38, 1-based): chr1:45,511,300, C>T. VCF-style: chr1-45511300-C-T. GRCh37 (hg19) VCF-style: chr1-45976972-C-T.
Other names: c.*2085C>T (NM_001330540.2); c.*29G>A (NM_001202431.2, NM_002574.4, NM_181696.3 and 1 more transcripts).
Identifiers: ClinVar variation 4683183 (VCV004683183.1).

ClinVar aggregate classification (germline): Benign (1 of 4 stars; one submission).

gnomAD v4.1: 19,971 of 1,547,964 alleles (1.3%); highest among the groups gnomAD compares: Non-Finnish European, 1.5%; 189 homozygotes.

Submission:

Mayo Clinic Laboratories, Mayo Clinic
Classification: Benign. Last evaluated: 2025-04-08. Review status: criteria provided, single submitter. Criteria: ACMG Guidelines, 2015. Collection method: clinical testing. Allele origin: germline. Observed: 8 variant alleles.
Comment: BS1, BS2, BP4, BP7

Literature cited by the submitters: PubMed 35190856.